The following is an entry in ClinVar:

NM_000059.4(BRCA2):c.3318C>G (p.Ser1106Arg)

Gene: BRCA2 (BRCA2 DNA repair associated; plus strand). Cytogenetic location: 13q13.1.
Variant type: single nucleotide variant.
Coding change: c.3318C>G on transcript NM_000059.4 (MANE Select); coding-DNA position 3318, C replaced by G.
Protein change: p.Ser1106Arg; replaces serine 1106 with arginine.
Molecular consequence: missense variant.
Genome position (GRCh38, 1-based): chr13:32,337,673, C>G. VCF-style: chr13-32337673-C-G. GRCh37 (hg19) VCF-style: chr13-32911810-C-G.
Other names: short protein forms S1106R.
Identifiers: ClinVar variation 433775 (VCV000433775.26), dbSNP rs1298550035, ClinGen allele CA387776227.

ClinVar aggregate classification (germline): Conflicting classifications of pathogenicity. Review status: criteria provided, conflicting classifications (1 of 4 stars). 9 submissions from 9 submitters: Uncertain significance (5); Likely benign (3). 1 of the submissions does not count toward it. Last evaluated 2025-10-17.

Conditions:
Hereditary breast ovarian cancer syndrome. Also called: Hereditary breast and ovarian cancer; Hereditary breast and ovarian cancer syndrome (HBOC); BRCA1- and BRCA2-Associated Hereditary Breast and Ovarian Cancer; Hereditary breast and ovarian cancer syndrome; Breast and ovarian cancer; Hereditary breast and/or ovarian cancer syndrome. Identifiers: Orphanet 145, MedGen C0677776, MeSH D061325, MONDO:0003582. Disease mechanism: loss of function.
Hereditary cancer-predisposing syndrome. Also called: Hereditary neoplastic syndrome; Tumor predisposition; Hereditary Cancer Syndrome; Neoplastic Syndromes, Hereditary. Identifiers: Orphanet 140162, MedGen C0027672, MeSH D009386, MONDO:0015356.

Allele frequency attached by ClinVar (database versions not stated): gnomAD exomes below 0.00001.
gnomAD v4.1: 11 of 1,598,098 alleles (0.00069%); highest among the groups gnomAD compares: Middle Eastern, 0.083%; no homozygotes.

Submissions (9):

Women's Health and Genetics/Laboratory Corporation of America, LabCorp
Classification: Uncertain significance. Last evaluated: 2025-10-17. Review status: criteria provided, single submitter. Criteria: LabCorp Variant Classification Summary - May 2015. Collection method: clinical testing. Allele origin: germline.
Comment: Variant summary: BRCA2 c.3318C>G (p.Ser1106Arg) results in a non-conservative amino acid change in the encoded protein sequence. Algorithms developed to predict the effect of missense changes on protein structure and function are either unavailable or do not agree on the potential impact of this missense change. The variant allele was found at a frequency of 4.2e-06 in 238362 control chromosomes (gnomAD). The available data on variant occurrences in the general population are insufficient to allow any conclusion about variant significance. c.3318C>G has been observed in individuals affected with breast and/or ovarian cancer without strong evidence of causality (e.g., Meyer_2003, Trujillano_2015, Pirim_2020, Akcay_2021). These reports do not provide unequivocal conclusions about association of the variant with Hereditary Breast And Ovarian Cancer Syndrome. To our knowledge, no experimental evidence demonstrating an impact on protein function has been reported. The following publications have been ascertained in the context of this evaluation (PMID: 25556971, 12938098, 32658311, 32599251). ClinVar contains an entry for this variant (Variation ID: 433775). Based on the evidence outlined above, the variant was classified as uncertain significance.

Ambry Genetics
Classification: Uncertain significance for Hereditary cancer-predisposing syndrome. Last evaluated: 2025-03-19. Review status: criteria provided, single submitter. Criteria: Ambry Variant Classification Scheme 2023. Collection method: clinical testing. Allele origin: germline.
Comment: The p.S1106R variant (also known as c.3318C>G), located in coding exon 10 of the BRCA2 gene, results from a C to G substitution at nucleotide position 3318. The serine at codon 1106 is replaced by arginine, an amino acid with dissimilar properties. This variant has been identified in multiple individuals diagnosed with breast cancer (Meyer P et al. Hum Mutat, 2003 Sep;22:259; Geredeli C et al. Int J Breast Cancer, 2019 Jan;2019:9645147; Boga I et al. Eur J Breast Health, 2023 Jul;19:235-252; Hassan AN et al. Cureus, 2024 Jun;16:e62160). Of note, this alteration is also known as c.3546C>G in published literature. This amino acid position is highly conserved in available vertebrate species. In addition, the in silico prediction for this alteration is inconclusive. Based on the available evidence, the clinical significance of this variant remains unclear.

Center for Genomic Medicine, Rigshospitalet, Copenhagen University Hospital
Classification: Likely benign. Last evaluated: 2025-03-04. Review status: criteria provided, single submitter. Criteria: ACMG Guidelines, 2015. Collection method: clinical testing. Allele origin: germline.

Labcorp Genetics (formerly Invitae), Labcorp
Classification: Uncertain significance for Hereditary breast ovarian cancer syndrome. Last evaluated: 2025-02-02. Review status: criteria provided, single submitter. Criteria: Invitae Variant Classification Sherloc (09022015). Collection method: clinical testing. Allele origin: germline.
Comment: This sequence change replaces serine, which is neutral and polar, with arginine, which is basic and polar, at codon 1106 of the BRCA2 protein (p.Ser1106Arg). This variant is present in population databases (no rsID available, gnomAD 0.0009%). This missense change has been observed in individual(s) with a personal and/or family history of breast and/or ovarian cancer (PMID: 12938098, 25556971, 30713775, 32599251). This variant is also known as 3546C>G. ClinVar contains an entry for this variant (Variation ID: 433775). Invitae Evidence Modeling of protein sequence and biophysical properties (such as structural, functional, and spatial information, amino acid conservation, physicochemical variation, residue mobility, and thermodynamic stability) indicates that this missense variant is not expected to disrupt BRCA2 protein function with a negative predictive value of 95%. In summary, the available evidence is currently insufficient to determine the role of this variant in disease. Therefore, it has been classified as a Variant of Uncertain Significance.

Blueprint Genetics
Classification: Likely benign. Last evaluated: 2024-03-29. Review status: criteria provided, single submitter. Criteria: ACMG Guidelines, 2015. Collection method: clinical testing. Allele origin: germline.

University of Washington Department of Laboratory Medicine, University of Washington
Classification: Likely benign for Hereditary cancer-predisposing syndrome. Last evaluated: 2023-03-23. Review status: criteria provided, single submitter. Criteria: Dines et al. (Genet Med. 2020). Collection method: curation. Allele origin: germline.
Comment: Missense variant in a coldspot region where missense variants are very unlikely to be pathogenic (PMID:31911673).

BRCA2 exon 11 coldspot. Reclassification based on statistical prior probability.

GeneDx
Classification: Uncertain significance. Last evaluated: 2022-11-03. Review status: criteria provided, single submitter. Criteria: GeneDx Variant Classification Process June 2021. Collection method: clinical testing. Allele origin: germline. Affected: yes.
Comment: Variant observed in individuals with a personal and/or family history of breast and/or ovarian cancer and also in cancer-free controls (Meyer et al., 2003; Cvok et al., 2008; Trujillano et al., 2015; Yilmaz et al., 2016; Geredeli et al., 2019; Bahsi et al., 2020; Pirim et al., 2020; Gezdirici et al., 2021; Sahin and Saat 2022); Not observed at significant frequency in large population cohorts (gnomAD); In silico analysis supports that this missense variant has a deleterious effect on protein structure/function; Also known as 3546C>G; This variant is associated with the following publications: (PMID: 25556971, 18844490, 12938098, 27403073, 30713775, 31706072, 34426522, 32377563, 29884841, 34593815, 31131967, 32599251, Bahsi2020[case report], Gezdirici2021[case report], 35089076)

Color Diagnostics, LLC DBA Color Health
Classification: Uncertain significance for Hereditary cancer-predisposing syndrome. Last evaluated: 2019-05-03. Review status: criteria provided, single submitter. Criteria: ACMG Guidelines, 2015. Collection method: clinical testing. Allele origin: germline.

Department of Pathology and Laboratory Medicine, Sinai Health System
Classification: Uncertain significance. Review status: no assertion criteria provided. Collection method: clinical testing. Allele origin: unknown. Affected: yes. Study: The Canadian Open Genetics Repository (COGR). Not counted in ClinVar's aggregate classification.
Comment: The BRCA2 c.3318C>G, p.Ser1106Arg variant was not identified in the literature nor previously identified by our laboratory. Another BRCA2 variant with the same amino acid change, c.3318C>A, p.Ser1106Arg, has been reported in 1/230 (frequency 0.0043) chromosomes from healthy individuals (Cvok 2008). The p.Ser1106 residue is conserved across mammals and lower organisms and computational analyses (PolyPhen2, SIFT, AlignGVGD, BLOSUM) suggest that the p.Ser1106Arg variant may impact the protein. However, this information is not predictive enough to assume pathogenicity. This variant is not predicted to affect normal splicing. In summary, based on the above information, this variant is classified as variant of uncertain significance.

Literature cited by the submitters: PubMed 12938098 (cited by 3 submitters); PubMed 25556971 (cited by Women's Health and Genetics/Laboratory Corporation of America, LabCorp and Labcorp Genetics (formerly Invitae), Labcorp); PubMed 32599251 (cited by Women's Health and Genetics/Laboratory Corporation of America, LabCorp and Labcorp Genetics (formerly Invitae), Labcorp); PubMed 32658311 (cited by Women's Health and Genetics/Laboratory Corporation of America, LabCorp); PubMed 30713775 (cited by 3 submitters); PubMed 37415649 (cited by Ambry Genetics); PubMed 38863777 (cited by Ambry Genetics).